The following is an entry in ClinVar:

NM_015338.6(ASXL1):c.3745A>G (p.Met1249Val)

Gene: ASXL1 (ASXL transcriptional regulator 1; plus strand). Cytogenetic location: 20q11.21.
Variant type: single nucleotide variant.
Coding change: c.3745A>G on transcript NM_015338.6 (MANE Select); coding-DNA position 3745, A replaced by G.
Protein change: p.Met1249Val; replaces methionine 1249 with valine.
Molecular consequence: missense variant.
Genome position (GRCh38, 1-based): chr20:32,436,457, A>G. VCF-style: chr20-32436457-A-G. GRCh37 (hg19) VCF-style: chr20-31024260-A-G.
Other names: c.3562A>G, p.Met1188Val (NM_001363734.1); short protein forms M1249V, M1188V.
Identifiers: ClinVar variation 133580 (VCV000133580.32), dbSNP rs146141075, ClinGen allele CA156993.

ClinVar aggregate classification (germline): Benign/Likely benign. Review status: criteria provided, multiple submitters, no conflicts (2 of 4 stars). 9 submissions from 9 submitters: Benign (4); Likely benign (2). 3 of the submissions do not count toward it. Last evaluated 2026-07-01.

Conditions:
Bohring-Opitz syndrome. Also called: C-LIKE SYNDROME; ASXL1-Related Bohring-Opitz Syndrome; OPITZ TRIGONOCEPHALY-LIKE SYNDROME; BOHRING SYNDROME. Identifiers: Orphanet 97297, MedGen C0796232, MONDO:0011510, OMIM 605039.

Allele frequency attached by ClinVar (database versions not stated): gnomAD 0.00196 and 0.00205; ExAC 0.00199; 1000 Genomes Project 30x 0.00109; gnomAD exomes 0.00220; 1000 Genomes Project 0.00120; TOPMed 0.00122; ESP Exome Variant Server 0.00123.

Submissions (9):

CeGaT Center for Human Genetics Tuebingen
Classification: Likely benign. Last evaluated: 2026-07-01. Review status: criteria provided, single submitter. Criteria: CeGaT Center For Human Genetics Tuebingen Variant Classification Criteria Version 2. Collection method: clinical testing. Allele origin: germline. Affected: yes. Observed: 5 variant alleles.
Comment: ASXL1: BP4, BS1

Labcorp Genetics (formerly Invitae), Labcorp
Classification: Benign. Last evaluated: 2025-12-23. Review status: criteria provided, single submitter. Criteria: Invitae Variant Classification Sherloc (09022015). Collection method: clinical testing. Allele origin: germline.

Blueprint Genetics
Classification: Likely benign. Last evaluated: 2024-11-28. Review status: criteria provided, single submitter. Criteria: ACMG Guidelines, 2015. Collection method: clinical testing. Allele origin: germline.

Genome-Nilou Lab
Classification: Benign for Bohring-Opitz syndrome. Last evaluated: 2021-12-05. Review status: criteria provided, single submitter. Criteria: ACMG Guidelines, 2015. Collection method: clinical testing. Allele origin: germline. Affected: no.

GeneDx
Classification: Benign. Last evaluated: 2021-10-26. Review status: criteria provided, single submitter. Criteria: GeneDx Variant Classification Process June 2021. Collection method: clinical testing. Allele origin: germline. Affected: yes.
Comment: This variant is associated with the following publications: (PMID: 24728327, 27581359)

Breakthrough Genomics
Classification: Benign. Review status: criteria provided, single submitter. Criteria: ACMG Guidelines, 2015. Collection method: not provided. Allele origin: germline. Inheritance: Autosomal dominant inheritance. Affected: yes.

ITMI
No classification provided. Condition: AllHighlyPenetrant. Last evaluated: 2013-09-19. Review status: no classification provided. Collection method: reference population. Allele origin: germline. Not counted in ClinVar's aggregate classification.
Comment: Please see associated publication for description of ethnicities

Clinical Genetics DNA and cytogenetics Diagnostics Lab, Erasmus MC, Erasmus Medical Center
Classification: Likely benign. Review status: no assertion criteria provided. Collection method: clinical testing. Allele origin: germline. Affected: yes. Study: VKGL Data-share Consensus. Not counted in ClinVar's aggregate classification.

Laboratory of Diagnostic Genome Analysis, Leiden University Medical Center (LUMC)
Classification: Likely benign. Review status: no assertion criteria provided. Collection method: clinical testing. Allele origin: germline. Affected: yes. Study: VKGL Data-share Consensus. Not counted in ClinVar's aggregate classification.

Literature cited by the submitters: PubMed 24728327 (cited by ITMI).